The following is an entry in ClinVar:

ClinVar aggregate classification (germline): Uncertain significance (1 of 4 stars; one submission).

gnomAD v4.1: 4 of 1,613,328 alleles (0.00025%); highest among the groups gnomAD compares: African/African-American, 0.0013%; no homozygotes.

Submission:

Ambry Genetics
Classification: Uncertain significance. Last evaluated: 2025-06-01. Review status: criteria provided, single submitter. Criteria: Ambry Variant Classification Scheme 2023. Collection method: clinical testing. Allele origin: germline.
Comment: The p.R238Q variant (also known as c.713G>A), located in coding exon 2 of the WNK2 gene, results from a G to A substitution at nucleotide position 713. The arginine at codon 238 is replaced by glutamine, an amino acid with highly similar properties. This amino acid position is conserved. In addition, the in silico prediction for this alteration is inconclusive. Based on the available evidence, the clinical significance of this variant remains unclear.

NM_006648.4(WNK2):c.713G>A (p.Arg238Gln)

Gene: WNK2 (WNK lysine deficient protein kinase 2; plus strand). Cytogenetic location: 9q22.31.
Variant type: single nucleotide variant.
Coding change: c.713G>A on transcript NM_006648.4 (MANE Select); coding-DNA position 713, G replaced by A.
Protein change: p.Arg238Gln; replaces arginine 238 with glutamine.
Molecular consequence: missense variant.
Genome position (GRCh38, 1-based): chr9:93,229,727, G>A. VCF-style: chr9-93229727-G-A. GRCh37 (hg19) VCF-style: chr9-95992009-G-A.
Other names: c.713G>A, p.Arg238Gln (NM_001282394.3); short protein forms R238Q.
Identifiers: ClinVar variation 3982152 (VCV003982152.1).